The following is an entry in ClinVar:

ClinVar aggregate classification (germline): Uncertain significance (1 of 4 stars; one submission).

Allele frequency attached by ClinVar (database versions not stated): ExAC 0.00002; gnomAD exomes 0.00003 and 0.00006; gnomAD 0.00005 and 0.00006; TOPMed 0.00011.
gnomAD v4.1: 99 of 1,614,038 alleles (0.0061%); highest among the groups gnomAD compares: Non-Finnish European, 0.0075%; no homozygotes.

Submission:

Labcorp Genetics (formerly Invitae), Labcorp
Classification: Uncertain significance. Last evaluated: 2026-01-24. Review status: criteria provided, single submitter. Criteria: Invitae Variant Classification Sherloc (09022015). Collection method: clinical testing. Allele origin: germline.
Comment: This sequence change replaces glutamine, which is neutral and polar, with lysine, which is basic and polar, at codon 161 of the SIAE protein (p.Gln161Lys). This variant is present in population databases (rs200739060, gnomAD 0.006%). This variant has not been reported in the literature in individuals affected with SIAE-related conditions. ClinVar contains an entry for this variant (Variation ID: 1354609). An algorithm developed to predict the effect of missense changes on protein structure and function outputs the following: PolyPhen-2: "Benign". The lysine amino acid residue is found in multiple mammalian species, which suggests that this missense change does not adversely affect protein function. Experimental studies have shown that this missense change does not substantially affect SIAE function (PMID: 20555325). In summary, the available evidence is currently insufficient to determine the role of this variant in disease. Therefore, it has been classified as a Variant of Uncertain Significance.

Literature cited by the submitters: PubMed 20555325.

NM_170601.5(SIAE):c.481C>A (p.Gln161Lys)

Gene: SIAE (sialic acid acetylesterase; minus strand). Cytogenetic location: 11q24.2.
Variant type: single nucleotide variant.
Coding change: c.481C>A on transcript NM_170601.5 (MANE Select); coding-DNA position 481, C replaced by A.
Protein change: p.Gln161Lys; replaces glutamine 161 with lysine.
Molecular consequence: missense variant.
Genome position (GRCh38, 1-based): chr11:124,654,718, G>T on the plus strand (C>A on the coding strand, the complement: SIAE is on the minus strand). VCF-style: chr11-124654718-G-T. GRCh37 (hg19) VCF-style: chr11-124524614-G-T.
Other names: c.376C>A, p.Gln126Lys (NM_001199922.2); short protein forms Q161K, Q126K.
Identifiers: ClinVar variation 1354609 (VCV001354609.6), dbSNP rs200739060, ClinGen allele CA6341511.